The following is an entry in ClinVar:

NM_004082.5(DCTN1):c.1562G>T (p.Arg521Leu)

Gene: DCTN1 (dynactin subunit 1; minus strand). Cytogenetic location: 2p13.1.
Variant type: single nucleotide variant.
Coding change: c.1562G>T on transcript NM_004082.5 (MANE Select); coding-DNA position 1562, G replaced by T.
Protein change: p.Arg521Leu; replaces arginine 521 with leucine.
Molecular consequence: missense variant. On other transcripts: non-coding transcript variant (1).
Genome position (GRCh38, 1-based): chr2:74,369,322, C>A on the plus strand (G>T on the coding strand, the complement: DCTN1 is on the minus strand). VCF-style: chr2-74369322-C-A. GRCh37 (hg19) VCF-style: chr2-74596449-C-A.
Other names: c.1502G>T, p.Arg501Leu (NM_001135040.3); c.1160G>T, p.Arg387Leu (NM_001135041.3, NM_023019.4); c.1451G>T, p.Arg484Leu (NM_001190836.2); c.1541G>T, p.Arg514Leu (NM_001190837.2); c.1511G>T, p.Arg504Leu (NM_001378991.1); c.1493G>T, p.Arg498Leu (NM_001378992.1); short protein forms R514L, R387L, R498L, R484L, R501L, R504L, R521L.
Identifiers: ClinVar variation 1775296 (VCV001775296.2), dbSNP rs750997137, ClinGen allele CA347357653.

ClinVar aggregate classification (germline): Uncertain significance (1 of 4 stars; one submission).

Conditions:
Inborn genetic diseases. Identifiers: MedGen C0950123, MeSH D030342.

Submission:

Ambry Genetics
Classification: Uncertain significance for Inborn genetic diseases. Last evaluated: 2021-04-11. Review status: criteria provided, single submitter. Criteria: Ambry Variant Classification Scheme 2023. Collection method: clinical testing. Allele origin: germline.
Comment: The p.R521L variant (also known as c.1562G>T), located in coding exon 14 of the DCTN1 gene, results from a G to T substitution at nucleotide position 1562. The arginine at codon 521 is replaced by leucine, an amino acid with dissimilar properties. This variant was detected in an individual with apparently sporadic amyotrophic lateral sclerosis (ALS) (Mehta PR et al. J Neurol Neurosurg Psychiatry, 2019 03;90:268-271). This amino acid position is highly conserved in available vertebrate species. In addition, this alteration is predicted to be deleterious by in silico analysis. Since supporting evidence is limited at this time, the clinical significance of this alteration remains unclear.

Literature cited by the submitters: PubMed 30270202.